The following is an entry in ClinVar:

NM_003793.4(CTSF):c.1046-10C>T

Gene: CTSF (cathepsin F; minus strand). Cytogenetic location: 11q13.2.
Variant type: single nucleotide variant.
Coding change: c.1046-10C>T on transcript NM_003793.4 (MANE Select); 10 bases into the intron before coding-DNA position 1046, C replaced by T.
Molecular consequence: intron variant.
Genome position (GRCh38, 1-based): chr11:66,565,016, G>A on the plus strand (C>T on the coding strand, the complement: CTSF is on the minus strand). VCF-style: chr11-66565016-G-A. GRCh37 (hg19) VCF-style: chr11-66332487-G-A.
Other names: c.1046-10C>T (NM_003793.3).
Identifiers: ClinVar variation 1197405 (VCV001197405.5), dbSNP rs774488937, ClinGen allele CA6125325.

ClinVar aggregate classification (germline): Likely benign. Review status: criteria provided, multiple submitters, no conflicts (2 of 4 stars). 3 submissions from 3 submitters: Likely benign (2). 1 of the submissions does not count toward it. Last evaluated 2026-01-16.

Conditions:
CTSF-related disorder. Also called: CTSF-related condition.
Neuronal ceroid lipofuscinosis 13 (CLN13). Also called: CLN13 Disease; CEROID LIPOFUSCINOSIS, NEURONAL, 13 (KUFS TYPE). Identifiers: Orphanet 352709, Orphanet 79262, MedGen C3715049, MONDO:0014147, OMIM 615362.

Allele frequency attached by ClinVar (database versions not stated): gnomAD 0.00004 and 0.00005; ExAC 0.00005; gnomAD exomes 0.00005 and 0.00008; TOPMed 0.00007.
gnomAD v4.1: 131 of 1,547,530 alleles (0.0085%); highest among the groups gnomAD compares: East Asian, 0.041%; no homozygotes.

Submissions (3):

Labcorp Genetics (formerly Invitae), Labcorp
Classification: Likely benign for Neuronal ceroid lipofuscinosis 13. Last evaluated: 2026-01-16. Review status: criteria provided, single submitter. Criteria: Invitae Variant Classification Sherloc (09022015). Collection method: clinical testing. Allele origin: germline.

GeneDx
Classification: Likely benign. Last evaluated: 2020-06-30. Review status: criteria provided, single submitter. Criteria: GeneDx Variant Classification Process June 2021. Collection method: clinical testing. Allele origin: germline. Affected: yes.

PreventionGenetics, part of Exact Sciences
Classification: Likely benign for CTSF-related condition. Last evaluated: 2023-10-03. Review status: no assertion criteria provided. Collection method: clinical testing. Allele origin: germline. Not counted in ClinVar's aggregate classification.
Comment: This variant is classified as likely benign based on ACMG/AMP sequence variant interpretation guidelines (Richards et al. 2015 PMID: 25741868, with internal and published modifications).